The following is an entry in ClinVar:

NM_000080.4(CHRNE):c.249C>G (p.Tyr83Ter)

Genes: C17orf107 (chromosome 17 open reading frame 107; plus strand), CHRNE (cholinergic receptor nicotinic epsilon subunit; minus strand). Cytogenetic location: 17p13.2.
Variant type: single nucleotide variant.
Coding change: c.249C>G on transcript NM_000080.4 (MANE Select); coding-DNA position 249, C replaced by G.
Protein change: p.Tyr83Ter; replaces tyrosine 83 with a stop codon.
Molecular consequence: nonsense. On other transcripts: 3 prime UTR variant (1).
Genome position (GRCh38, 1-based): chr17:4,902,312, G>C on the plus strand (C>G on the coding strand, the complement: CHRNE is on the minus strand). VCF-style: chr17-4902312-G-C. GRCh37 (hg19) VCF-style: chr17-4805607-G-C.
Other names: c.*1779G>C (NM_001145536.2); short protein forms Y83*.
Identifiers: ClinVar variation 5013735 (VCV005013735.1).

ClinVar aggregate classification (germline): Pathogenic (1 of 4 stars; one submission).

Conditions:
Congenital myasthenic syndrome (CMS). Also called: Congenital Myasthenic Syndromes. Identifiers: Orphanet 590, MedGen C0751882, MeSH D020294, MONDO:0018940.

Submission:

Myriad Genetics, Inc.
Classification: Pathogenic for Congenital myasthenic syndrome. Last evaluated: 2024-11-11. Review status: criteria provided, single submitter. Criteria: Myriad Autosomal Dominant, Autosomal Recessive and X-Linked Classification Criteria (2023). Collection method: clinical testing. Allele origin: unknown.
Comment: NM_000080.3(CHRNE):c.249C>G(Y83*) is expected to be pathogenic in the context of congenital myasthenic syndrome, CHRNE-related. This variant is predicted to lead to an abnormal or absent protein product due to the creation of a premature termination codon in CHRNE, a gene where loss-of-function variants are known to be pathogenic. Please note: this variant was assessed in the context of healthy population screening.